The following is an entry in ClinVar:

ClinVar aggregate classification (germline): Uncertain significance (1 of 4 stars; one submission).

Conditions:
Mevalonic aciduria (MEVA). Identifiers: Orphanet 29, MedGen C1959626, MONDO:0012481, OMIM 610377.
Hyperimmunoglobulin D with periodic fever (HIDS). Also called: HYPERIMMUNOGLOBULINEMIA D AND PERIODIC FEVER SYNDROME; Hyperimmunoglobulinemia D; Hyperimmunoglobulinemia D with periodic fever. Identifiers: Orphanet 343, MedGen C0398691, MONDO:0009849, OMIM 260920.
Porokeratosis 3, disseminated superficial actinic type (POROK3). Also called: POROKERATOSIS, DISSEMINATED SUPERFICIAL ACTINIC, 1; POROKERATOSIS 3, MULTIPLE TYPES; POROKERATOSIS 3, MIBELLI TYPE. Identifiers: MedGen C1867981, MONDO:0008293, OMIM 175900.

gnomAD v4.1: 1 of 1,612,068 alleles (0.000062%); highest among the groups gnomAD compares: Admixed American, 0.0017%; no homozygotes.

Submission:

Labcorp Genetics (formerly Invitae), Labcorp
Classification: Uncertain significance for Mevalonic aciduria; Hyperimmunoglobulin D with periodic fever; Porokeratosis 3, disseminated superficial actinic type. Last evaluated: 2025-04-04. Review status: criteria provided, single submitter. Criteria: Invitae Variant Classification Sherloc (09022015). Collection method: clinical testing. Allele origin: germline.
Comment: This sequence change replaces serine, which is neutral and polar, with cysteine, which is neutral and slightly polar, at codon 384 of the MVK protein (p.Ser384Cys). This variant is present in population databases (rs104895383, gnomAD 0.003%). This variant has not been reported in the literature in individuals affected with MVK-related conditions. Invitae Evidence Modeling of protein sequence and biophysical properties (such as structural, functional, and spatial information, amino acid conservation, physicochemical variation, residue mobility, and thermodynamic stability) has been performed for this missense variant. However, the output from this modeling did not meet the statistical confidence thresholds required to predict the impact of this variant on MVK protein function. In summary, the available evidence is currently insufficient to determine the role of this variant in disease. Therefore, it has been classified as a Variant of Uncertain Significance.

NM_000431.4(MVK):c.1151C>G (p.Ser384Cys)

Gene: MVK (mevalonate kinase; plus strand). Cytogenetic location: 12q24.11.
Variant type: single nucleotide variant.
Coding change: c.1151C>G on transcript NM_000431.4 (MANE Select); coding-DNA position 1151, C replaced by G.
Protein change: p.Ser384Cys; replaces serine 384 with cysteine.
Molecular consequence: missense variant. On other transcripts: 3 prime UTR variant (2), non-coding transcript variant (4).
Genome position (GRCh38, 1-based): chr12:109,596,537, C>G. VCF-style: chr12-109596537-C-G. GRCh37 (hg19) VCF-style: chr12-110034342-C-G.
Other names: c.1151C>G, p.Ser384Cys (NM_001114185.3, NM_001414511.1); c.995C>G, p.Ser332Cys (NM_001301182.2); c.1226C>G, p.Ser409Cys (NM_001414512.1); c.*70C>G (NM_001414513.1, NM_001414514.1); c.569C>G, p.Ser190Cys (NM_001414515.1); short protein forms S384C, S332C, S190C, S409C.
Identifiers: ClinVar variation 4792753 (VCV004792753.1).
Genomic context (GRCh38, chr12:109,596,537, plus strand): 5'-GCTTTGACTGCTTGGAAACCAGCATCGGTGCCCCCGGCGTCTCCATCCACTCAGCCACCT[C>G]CCTGGACAGCCGAGTCCAGCAAGCCCTGGATGGCCTCTGAGAGGAGCCCACGACACTGCA-3'
Protein context (NP_000422.1, residues 374-394): APGVSIHSAT[Ser384Cys]LDSRVQQALD